The following is an entry in ClinVar:

ClinVar aggregate classification (germline): Pathogenic/Likely pathogenic. Review status: criteria provided, multiple submitters, no conflicts (2 of 4 stars). 4 submissions from 4 submitters: Pathogenic (2); Likely pathogenic (2). Last evaluated 2025-12-13.

Conditions:
Eichsfeld type congenital muscular dystrophy (CMYO3). Also called: MYOPATHY, SEPN1-RELATED; Rigid spine muscular dystrophy 1; SELENON-related myopathy; Congenital myopathy 3 with rigid spine. Identifiers: MedGen C0410180, MONDO:0100100, OMIM 602771.

Allele frequency attached by ClinVar (database versions not stated): TOPMed below 0.00001; gnomAD 0.00001; gnomAD exomes 0.00001; ExAC 0.00002.
gnomAD v4.1: 14 of 1,613,876 alleles (0.00087%); highest among the groups gnomAD compares: East Asian, 0.0022%; no homozygotes.

Submissions (4):

Labcorp Genetics (formerly Invitae), Labcorp
Classification: Pathogenic for Eichsfeld type congenital muscular dystrophy. Last evaluated: 2025-12-13. Review status: criteria provided, single submitter. Criteria: Invitae Variant Classification Sherloc (09022015). Collection method: clinical testing. Allele origin: germline.
Comment: This sequence change replaces arginine, which is basic and polar, with tryptophan, which is neutral and slightly polar, at codon 469 of the SELENON protein (p.Arg469Trp). This variant is present in population databases (rs756927098, gnomAD 0.003%). This missense change has been observed in individual(s) with SELENON-related myopathy (PMID: 19067361; internal data). In at least one individual the data is consistent with being in trans (on the opposite chromosome) from a pathogenic variant. ClinVar contains an entry for this variant (Variation ID: 571063). Invitae Evidence Modeling of protein sequence and biophysical properties (such as structural, functional, and spatial information, amino acid conservation, physicochemical variation, residue mobility, and thermodynamic stability) indicates that this missense variant is expected to disrupt SELENON protein function with a positive predictive value of 95%. This variant disrupts the p.Arg469 amino acid residue in SELENON. Other variant(s) that disrupt this residue have been determined to be pathogenic (PMID: 19067361; internal data). This suggests that this residue is clinically significant, and that variants that disrupt this residue are likely to be disease-causing. For these reasons, this variant has been classified as Pathogenic.

Women's Health and Genetics/Laboratory Corporation of America, LabCorp
Classification: Pathogenic for Eichsfeld type congenital muscular dystrophy. Last evaluated: 2025-03-31. Review status: criteria provided, single submitter. Criteria: LabCorp Variant Classification Summary - May 2015. Collection method: clinical testing. Allele origin: germline.
Comment: Variant summary: SELENON c.1405C>T (p.Arg469Trp) results in a non-conservative amino acid change in the encoded protein sequence. Five of five in-silico tools predict a damaging effect of the variant on protein function. The variant allele was found at a frequency of 8e-06 in 249308 control chromosomes. c.1405C>T has been reported in the literature in multiple homozygous or compound heterozygous individuals affected with SELENON-related myopathy or Rigid Spine Muscular Dystrophy (e.g. Maiti_2009, Megarbane_2022, Nicolau_2019, Labcorp (formerly Invitae)). These data indicate that the variant is very likely to be associated with disease. A different variant located at the same codon (c.1406G>A, p.Arg469Gln) has been classified as pathogenic in ClinVar supporting a critical relevance of this residue to SELENON protein function. The following publications have been ascertained in the context of this evaluation (PMID: 19067361, 34602496, 31321302). ClinVar contains an entry for this variant (Variation ID: 571063). Based on the evidence outlined above, the variant was classified as pathogenic.

GeneDx
Classification: Likely pathogenic. Last evaluated: 2023-08-02. Review status: criteria provided, single submitter. Criteria: GeneDx Variant Classification Process June 2021. Collection method: clinical testing. Allele origin: germline. Affected: yes.
Comment: Not observed at a significant frequency in large population cohorts (gnomAD); In silico analysis supports that this missense variant has a deleterious effect on protein structure/function; This variant is associated with the following publications: (PMID: 19067361, 31321302, 34602496)

Broad Center for Mendelian Genomics, Broad Institute of MIT and Harvard
Classification: Likely pathogenic. Last evaluated: 2023-01-24. Review status: criteria provided, single submitter. Criteria: ACMG Guidelines, 2015. Collection method: curation. Allele origin: germline. Inheritance: Autosomal recessive inheritance.
Comment: The p.Arg469Trp variant in SELENON has been reported in 3 individuals with SELENON-RM (PMID: 19067361, 31321302, 34602496) and has been identified in 0.003% (1/30592) of South Asian chromosomes by the Genome Aggregation Database (gnomAD; dbSNP ID: rs756927098). Although this variant has been seen in the general population in a heterozygous state, its frequency is low enough to be consistent with a recessive carrier frequency. This variant has also been reported in ClinVar (Variation ID#: 571063) and has been interpreted as likely pathogenic by Invitae and GeneDx. Of the 3 affected individuals, 2 of those were homozygotes and 1 was a compound heterozygote that carried a reported pathogenic variant with unknown phase, which increases the likelihood that the p.Arg469Trp variant is pathogenic (VariantID: 4496; PMID: 19067361, 31321302, 34602496). Computational prediction tools and conservation analyses suggest that this variant may impact the protein, though this information is not predictive enough to determine pathogenicity. In summary, although additional studies are required to fully establish its clinical significance, this variant is likely pathogenic for autosomal recessive SELENON-RM.

Literature cited by the submitters: PubMed 19067361 (cited by Labcorp Genetics (formerly Invitae), Labcorp and Women's Health and Genetics/Laboratory Corporation of America, LabCorp); PubMed 34602496 (cited by Women's Health and Genetics/Laboratory Corporation of America, LabCorp); PubMed 31321302 (cited by Women's Health and Genetics/Laboratory Corporation of America, LabCorp).

NM_206926.2(SELENON):c.1303C>T (p.Arg435Trp)

Gene: SELENON (selenoprotein N; plus strand). Cytogenetic location: 1p36.11.
Variant type: single nucleotide variant.
Coding change: c.1303C>T on transcript NM_206926.2 (MANE Select); coding-DNA position 1303, C replaced by T.
Protein change: p.Arg435Trp; replaces arginine 435 with tryptophan.
Molecular consequence: missense variant.
Genome position (GRCh38, 1-based): chr1:25,813,898, C>T. VCF-style: chr1-25813898-C-T. GRCh37 (hg19) VCF-style: chr1-26140389-C-T.
Other names: NM_020451.3(SELENON):c.1405C>T; p.Arg469Trp; c.1405C>T, p.Arg469Trp (NM_020451.3); short protein forms R469W, R435W.
Identifiers: ClinVar variation 571063 (VCV000571063.17), dbSNP rs756927098, ClinGen allele CA696874.
Genomic context (GRCh38, chr1:25,813,898, plus strand): 5'-AGCAAGATGTGGGGGCGCCTCACCCTTCTGTCTTCCTGAACAGGTTCAGGGCGGACTCTC[C>T]GGGAGACTGTCCTGGAAAGTTCGCCCATCCTCACCCTGCTCAACGAGAGCTTCATCAGCA-3'
Protein context (NP_996809.1, residues 425-445): QSCUGSGRTL[Arg435Trp]ETVLESSPIL